The following is an entry in ClinVar:

NM_000369.5(TSHR):c.*960T>C

Genes: TSHR-AS1 (TSHR antisense RNA 1; minus strand), TSHR (thyroid stimulating hormone receptor; plus strand). Cytogenetic location: 14q31.1.
Variant type: single nucleotide variant.
Coding change: c.*960T>C on transcript NM_000369.5 (MANE Select); 960 bases downstream of the stop codon, T replaced by C.
Molecular consequence: 3 prime UTR variant.
Genome position (GRCh38, 1-based): chr14:81,145,313, T>C. VCF-style: chr14-81145313-T-C. GRCh37 (hg19) VCF-style: chr14-81611657-T-C.
Identifiers: ClinVar variation 314712 (VCV000314712.5), dbSNP rs142517342, ClinGen allele CA10646445.

ClinVar aggregate classification (germline): Conflicting classifications of pathogenicity. Review status: criteria provided, conflicting classifications (1 of 4 stars). 2 submissions from 1 submitter: Uncertain significance (1); Benign (1). Last evaluated 2018-01-13.

Conditions:
Familial hyperthyroidism due to mutations in TSH receptor. Also called: HYPERTHYROIDISM, CONGENITAL NONAUTOIMMUNE; HYPERTHYROIDISM, NONAUTOIMMUNE, AUTOSOMAL DOMINANT; TOXIC THYROID HYPERPLASIA, AUTOSOMAL DOMINANT. Identifiers: Orphanet 424, MedGen C1836706, MONDO:0012203, OMIM 609152.
Hypothyroidism due to TSH receptor mutations. Also called: HYPOTHYROIDISM DUE TO UNRESPONSIVENESS TO THYROTROPIN; HYPOTHYROIDISM, CONGENITAL, DUE TO TSH RESISTANCE; HYPOTHYROIDISM, NONAUTOIMMUNE; THYROID-STIMULATING HORMONE, RESISTANCE TO; TSH RESISTANCE; Hypothyroidism, congenital, nongoitrous, 1. Identifiers: Orphanet 90673, MedGen C3493776, MONDO:0010142, OMIM 275200.

Allele frequency attached by ClinVar (database versions not stated): gnomAD exomes 0.00140; 1000 Genomes Project 0.00679; 1000 Genomes Project 30x 0.00687; gnomAD 0.00705 and 0.00759; TOPMed 0.00801.
gnomAD v4.1: 1,184 of 233,160 alleles (0.51%); highest among the groups gnomAD compares: African/African-American, 2.4%; 9 homozygotes.

Submissions (2):

Illumina Laboratory Services, Illumina
Classification: Benign for Familial hyperthyroidism due to mutations in TSH receptor. Last evaluated: 2018-01-13. Review status: criteria provided, single submitter. Criteria: ICSL Variant Classification Criteria 13 December 2019. Collection method: clinical testing. Allele origin: germline.
Comment: This variant was observed in the ICSL laboratory as part of a predisposition screen in an ostensibly healthy population. It had not been previously curated by ICSL or reported in the Human Gene Mutation Database (HGMD: prior to June 1st, 2018), and was therefore a candidate for classification through an automated scoring system. Utilizing variant allele frequency, disease prevalence and penetrance estimates, and inheritance mode, an automated score was calculated to assess if this variant is too frequent to cause the disease. Based on the score and internal cut-off values, a variant classified as benign is not then subjected to further curation. The score for this variant resulted in a classification of benign for this disease.

Illumina Laboratory Services, Illumina
Classification: Uncertain significance for Hypothyroidism due to TSH receptor mutations. Last evaluated: 2018-01-13. Review status: criteria provided, single submitter. Criteria: ICSL Variant Classification Criteria 13 December 2019. Collection method: clinical testing. Allele origin: germline.